The following is an entry in ClinVar:

ClinVar aggregate classification (germline): Uncertain significance (1 of 4 stars; one submission).

Submission:

GeneDx
Classification: Uncertain significance. Last evaluated: 2026-03-22. Review status: criteria provided, single submitter. Criteria: GeneDx Variant Classification Process June 2021. Collection method: clinical testing. Allele origin: germline.
Comment: Not observed at significant frequency in large population cohorts (gnomAD); In silico analysis supports that this missense variant has a deleterious effect on protein structure/function; Has not been previously published as pathogenic or benign to our knowledge

NM_001385012.1(NBEA):c.2884T>G (p.Tyr962Asp)

Gene: NBEA (neurobeachin; plus strand). Cytogenetic location: 13q13.3.
Variant type: single nucleotide variant.
Coding change: c.2884T>G on transcript NM_001385012.1 (MANE Select); coding-DNA position 2884, T replaced by G.
Protein change: p.Tyr962Asp; replaces tyrosine 962 with aspartic acid.
Molecular consequence: missense variant.
Genome position (GRCh38, 1-based): chr13:35,159,055, T>G. VCF-style: chr13-35159055-T-G. GRCh37 (hg19) VCF-style: chr13-35733192-T-G.
Other names: c.2884T>G, p.Tyr962Asp (NM_015678.5, NM_001379245.1); short protein forms Y962D.
Identifiers: ClinVar variation 5017034 (VCV005017034.1).